The following is an entry in ClinVar:

ClinVar aggregate classification (germline): Pathogenic (1 of 4 stars; one submission).

Conditions:
Breast-ovarian cancer, familial, susceptibility to, 2 (BROVCA2). Also called: BRCA2 Hereditary Breast and Ovarian Cancer. Identifiers: Orphanet 145, MedGen C2675520, MONDO:0012933, OMIM 612555. Disease mechanism: loss of function.

Submission:

Department of Human Genetics, Hannover Medical School
Classification: Pathogenic for Breast-ovarian cancer, familial, susceptibility to, 2. Last evaluated: 2025-06-05. Review status: criteria provided, single submitter. Criteria: ACMG Guidelines, 2015. Collection method: clinical testing. Allele origin: germline. Affected: yes.
Comment: PVS1, PM2_Supporting, PM5_Strong

NM_000059.4(BRCA2):c.7936_7949del (p.Cys2646fs)

Gene: BRCA2 (BRCA2 DNA repair associated; plus strand). Cytogenetic location: 13q13.1.
Variant type: Deletion.
Coding change: c.7936_7949del on transcript NM_000059.4 (MANE Select); coding-DNA positions 7936 to 7949, 14 bases deleted (TGCCTAAGCCCAGA).
Protein change: p.Cys2646fs; shifts the reading frame from cysteine 2646.
Molecular consequence: frameshift variant. On other transcripts: non-coding transcript variant (1).
Genome position (GRCh38, 1-based): chr13:32,362,653-32,362,666, TGCCTAAGCCCAGA deleted; deleting any 14 consecutive bases within chr13:32,362,650-32,362,666 gives the same sequence; the c. name uses the placement nearest the transcript's 3' end. VCF-style (leftmost placement, unchanged base first): chr13-32362649-TAGATGCCTAAGCCC-T. GRCh37 (hg19) VCF-style: chr13-32936786-TAGATGCCTAAGCCC-T.
Other names: c.7840_7853del, p.Cys2614fs (NM_001406719.1); c.7936_7949del, p.Cys2646fs (NM_001406720.1, NM_001432077.1); c.3004_3017del, p.Cys1002fs (NM_001406721.1); c.1519_1532del, p.Cys507fs (NM_001406722.1); short protein forms C1002fs, C2614fs, C2646fs, C507fs.
Identifiers: ClinVar variation 3901103 (VCV003901103.1).